The following is an entry in ClinVar:

NC_000008.10:g.(?_100479622)_(100479882_?)del

Gene: VPS13B (vacuolar protein sorting 13 homolog B; plus strand). Cytogenetic location: 8q22.2.
Variant type: Deletion.
Identifiers: ClinVar variation 3245429 (VCV003245429.1).

ClinVar aggregate classification (germline): Pathogenic (1 of 4 stars; one submission).

Conditions:
Cohen syndrome (COH1). Also called: Cutis verticis gyrata, retinitis pigmentosa, and sensorineural deafness; PEPPER SYNDROME. Identifiers: Orphanet 193, MedGen C0265223, MONDO:0008999, OMIM 216550.

Submission:

Labcorp Genetics (formerly Invitae), Labcorp
Classification: Pathogenic for Cohen syndrome. Last evaluated: 2023-08-10. Review status: criteria provided, single submitter. Criteria: Invitae Variant Classification Sherloc (09022015). Collection method: clinical testing. Allele origin: unknown.
Comment: For these reasons, this variant has been classified as Pathogenic. This variant has not been reported in the literature in individuals affected with VPS13B-related conditions. This variant is a gross deletion of the genomic region encompassing exon(s) 24 of the VPS13B gene. This deletion is out-of-frame, and is expected to create a premature termination codon and result in an absent or disrupted protein product. Loss-of-function variants in VPS13B are known to be pathogenic (PMID: 15141358, 16648375, 20461111).

Literature cited by the submitters: PubMed 15141358; PubMed 16648375; PubMed 20461111.